The following is an entry in ClinVar:

NM_005585.5(SMAD6):c.886del (p.Ser296fs)

Gene: SMAD6 (SMAD family member 6; plus strand). Cytogenetic location: 15q22.31.
Variant type: Deletion.
Coding change: c.886del on transcript NM_005585.5 (MANE Select); coding-DNA position 886, one base deleted (T; older notation c.886delT).
Protein change: p.Ser296fs; shifts the reading frame from serine 296.
Molecular consequence: frameshift variant. On other transcripts: non-coding transcript variant (1).
Genome position (GRCh38, 1-based): chr15:66,716,432, T deleted; the last of 2 consecutive T bases (chr15:66,716,431-66,716,432); deleting either gives the same sequence. VCF-style (leftmost placement, unchanged base first): chr15-66716430-AT-A. GRCh37 (hg19) VCF-style: chr15-67008768-AT-A.
Other names: short protein forms S296fs.
Identifiers: ClinVar variation 4875333 (VCV004875333.2).
Genomic context (GRCh38, chr15:66,716,430, plus strand): 5'-GAGAGCGCTGCCCCACGGCCAACTAAGTTCTCTTTTTCTTTCCTCCCACAGATCTGTCCG[AT>A]TCCACATTGTCTTACACTGAAACGGAGGCTACCAACTCCCTCATCACTGCTCCGGGTGAA-3'

ClinVar aggregate classification (germline): Uncertain significance (1 of 4 stars; one submission).

Submission:

CeGaT Center for Human Genetics Tuebingen
Classification: Uncertain significance. Last evaluated: 2026-06-01. Review status: criteria provided, single submitter. Criteria: CeGaT Center For Human Genetics Tuebingen Variant Classification Criteria Version 2. Collection method: clinical testing. Allele origin: germline. Affected: yes. Observed: 1 variant allele.
Comment: SMAD6: PM2, PVS1:Moderate